The following is an entry in ClinVar:

ClinVar aggregate classification (germline): Uncertain significance (1 of 4 stars; one submission).

Conditions:
Gastrointestinal stromal tumor. Also called: Gastrointestinal stromal tumor, somatic; Gastrointestinal stroma tumor. Identifiers: Orphanet 44890, MedGen C0238198, MeSH D046152, MONDO:0011719, OMIM 606764, HP:0100723.

Allele frequency attached by ClinVar (database versions not stated): gnomAD exomes below 0.00001.
gnomAD v4.1: 1 of 1,614,100 alleles (0.000062%); highest among the groups gnomAD compares: Non-Finnish European, 0.000085%; no homozygotes.

Submission:

Labcorp Genetics (formerly Invitae), Labcorp
Classification: Uncertain significance for Gastrointestinal stromal tumor. Last evaluated: 2024-05-05. Review status: criteria provided, single submitter. Criteria: Invitae Variant Classification Sherloc (09022015). Collection method: clinical testing. Allele origin: germline.
Comment: This sequence change replaces aspartic acid, which is acidic and polar, with glutamic acid, which is acidic and polar, at codon 568 of the PDGFRA protein (p.Asp568Glu). This variant is not present in population databases (gnomAD no frequency). This variant has not been reported in the literature in individuals affected with PDGFRA-related conditions. ClinVar contains an entry for this variant (Variation ID: 1014308). Advanced modeling of protein sequence and biophysical properties (such as structural, functional, and spatial information, amino acid conservation, physicochemical variation, residue mobility, and thermodynamic stability) performed at Invitae indicates that this missense variant is expected to disrupt PDGFRA protein function with a positive predictive value of 80%. In summary, the available evidence is currently insufficient to determine the role of this variant in disease. Therefore, it has been classified as a Variant of Uncertain Significance.

NM_006206.6(PDGFRA):c.1704T>G (p.Asp568Glu)

Gene: PDGFRA (platelet derived growth factor receptor alpha; plus strand). Cytogenetic location: 4q12.
Variant type: single nucleotide variant.
Coding change: c.1704T>G on transcript NM_006206.6 (MANE Select); coding-DNA position 1704, T replaced by G.
Protein change: p.Asp568Glu; replaces aspartic acid 568 with glutamic acid.
Molecular consequence: missense variant.
Genome position (GRCh38, 1-based): chr4:54,274,891, T>G. VCF-style: chr4-54274891-T-G. GRCh37 (hg19) VCF-style: chr4-55141058-T-G.
Other names: c.1704T>G, p.Asp568Glu (NM_001347827.2, NM_001347829.2); c.1779T>G, p.Asp593Glu (NM_001347828.2); c.1743T>G, p.Asp581Glu (NM_001347830.2); short protein forms D568E, D581E, D593E.
Identifiers: ClinVar variation 1014308 (VCV001014308.9), dbSNP rs1723635233, ClinGen allele CA356893125.